The following is an entry in ClinVar:

NM_032387.5(WNK4):c.3265G>C (p.Asp1089His)

Gene: WNK4 (WNK lysine deficient protein kinase 4; plus strand). Cytogenetic location: 17q21.2.
Variant type: single nucleotide variant.
Coding change: c.3265G>C on transcript NM_032387.5 (MANE Select); coding-DNA position 3265, G replaced by C.
Protein change: p.Asp1089His; replaces aspartic acid 1089 with histidine.
Molecular consequence: missense variant.
Genome position (GRCh38, 1-based): chr17:42,795,867, G>C. VCF-style: chr17-42795867-G-C. GRCh37 (hg19) VCF-style: chr17-40947885-G-C.
Other names: c.2257G>C, p.Asp753His (NM_001321299.2); short protein forms D1089H, D753H.
Identifiers: ClinVar variation 3384884 (VCV003384884.1).

ClinVar aggregate classification (germline): Uncertain significance (1 of 4 stars; one submission).

Submission:

Women's Health and Genetics/Laboratory Corporation of America, LabCorp
Classification: Uncertain significance. Last evaluated: 2024-10-07. Review status: criteria provided, single submitter. Criteria: LabCorp Variant Classification Summary - May 2015. Collection method: clinical testing. Allele origin: germline.
Comment: Variant summary: WNK4 c.3265G>C (p.Asp1089His) results in a non-conservative amino acid change in the encoded protein sequence. Four of five in-silico tools predict a benign effect of the variant on protein function. The variant was absent in 250456 control chromosomes. The available data on variant occurrences in the general population are insufficient to allow any conclusion about variant significance. To our knowledge, no occurrence of c.3265G>C in individuals affected with Pseudohypoaldosteronism Type 2B and no experimental evidence demonstrating its impact on protein function have been reported. No submitters have cited clinical-significance assessments for this variant to ClinVar. Based on the evidence outlined above, the variant was classified as uncertain significance.